The following is an entry in ClinVar:

ClinVar aggregate classification (germline): Uncertain significance (1 of 4 stars; one submission).

Allele frequency attached by ClinVar (database versions not stated): gnomAD exomes below 0.00001 and 0.00001; TOPMed below 0.00001; gnomAD 0.00001.
gnomAD v4.1: 10 of 1,614,052 alleles (0.00062%); highest among the groups gnomAD compares: Non-Finnish European, 0.00085%; no homozygotes.

Submission:

Labcorp Genetics (formerly Invitae), Labcorp
Classification: Uncertain significance. Last evaluated: 2024-02-24. Review status: criteria provided, single submitter. Criteria: Invitae Variant Classification Sherloc (09022015). Collection method: clinical testing. Allele origin: germline.
Comment: This sequence change replaces methionine, which is neutral and non-polar, with threonine, which is neutral and polar, at codon 890 of the SORL1 protein (p.Met890Thr). This variant is present in population databases (no rsID available, gnomAD 0.0009%). This variant has not been reported in the literature in individuals affected with SORL1-related conditions. ClinVar contains an entry for this variant (Variation ID: 1500340). An algorithm developed to predict the effect of missense changes on protein structure and function (PolyPhen-2) suggests that this variant is likely to be disruptive. In summary, the available evidence is currently insufficient to determine the role of this variant in disease. Therefore, it has been classified as a Variant of Uncertain Significance.

NM_003105.6(SORL1):c.2669T>C (p.Met890Thr)

Gene: SORL1 (sortilin related receptor 1; plus strand). Cytogenetic location: 11q24.1.
Variant type: single nucleotide variant.
Coding change: c.2669T>C on transcript NM_003105.6 (MANE Select); coding-DNA position 2669, T replaced by C.
Protein change: p.Met890Thr; replaces methionine 890 with threonine.
Molecular consequence: missense variant.
Genome position (GRCh38, 1-based): chr11:121,558,596, T>C. VCF-style: chr11-121558596-T-C. GRCh37 (hg19) VCF-style: chr11-121429305-T-C.
Other names: short protein forms M890T.
Identifiers: ClinVar variation 1500340 (VCV001500340.8), dbSNP rs1420828258, ClinGen allele CA383035574.